The following is an entry in ClinVar:

ClinVar aggregate classification (germline): Uncertain significance (1 of 4 stars; one submission).

Conditions:
Marfan syndrome (MFS). Also called: MARFAN SYNDROME, TYPE I; Marfan syndrome type 1; Marfan's syndrome; Marfan syndrome, classic; FBN1-Related Marfan Syndrome. Identifiers: Orphanet 284963, Orphanet 558, MedGen C0024796, MONDO:0007947, OMIM 154700.
Familial thoracic aortic aneurysm and aortic dissection (TAAD). Also called: Thoracic aortic aneurysms and dissections. Identifiers: Orphanet 91387, MedGen C4707243, MONDO:0019625.

Submission:

Labcorp Genetics (formerly Invitae), Labcorp
Classification: Uncertain significance for Marfan syndrome; Familial thoracic aortic aneurysm and aortic dissection. Last evaluated: 2024-09-02. Review status: criteria provided, single submitter. Criteria: Invitae Variant Classification Sherloc (09022015). Collection method: clinical testing. Allele origin: germline.
Comment: This sequence change replaces leucine, which is neutral and non-polar, with glutamine, which is neutral and polar, at codon 2499 of the FBN1 protein (p.Leu2499Gln). This variant is not present in population databases (gnomAD no frequency). This variant has not been reported in the literature in individuals affected with FBN1-related conditions. Invitae Evidence Modeling of protein sequence and biophysical properties (such as structural, functional, and spatial information, amino acid conservation, physicochemical variation, residue mobility, and thermodynamic stability) has been performed for this missense variant. However, the output from this modeling did not meet the statistical confidence thresholds required to predict the impact of this variant on FBN1 protein function. In summary, the available evidence is currently insufficient to determine the role of this variant in disease. Therefore, it has been classified as a Variant of Uncertain Significance.

NM_000138.5(FBN1):c.7496T>A (p.Leu2499Gln)

Gene: FBN1 (fibrillin 1; minus strand). Cytogenetic location: 15q21.1.
Variant type: single nucleotide variant.
Coding change: c.7496T>A on transcript NM_000138.5 (MANE Select); coding-DNA position 7496, T replaced by A.
Protein change: p.Leu2499Gln; replaces leucine 2499 with glutamine.
Molecular consequence: missense variant.
Genome position (GRCh38, 1-based): chr15:48,422,026, A>T on the plus strand (T>A on the coding strand, the complement: FBN1 is on the minus strand). VCF-style: chr15-48422026-A-T. GRCh37 (hg19) VCF-style: chr15-48714223-A-T.
Other names: c.7496T>A, p.Leu2499Gln (NM_001406716.1); short protein forms L2499Q.
Identifiers: ClinVar variation 3763338 (VCV003763338.2).
Genomic context (GRCh38, chr15:48,422,026, plus strand): 5'-TGGTGTTGGGTAAATCCGGGAGGACATTTGCATGTGAAGCCGCCAATGGTGTTAACACAT[A>T]GGAACTGGCAGTTGTGTTGCTTGGTTGCACACTCATCAAGATCTACAAGAAAATGCAAGA-3'
Protein context (NP_000129.3, residues 2489-2509): CATKQHNCQF[Leu2499Gln]CVNTIGGFTC